The following is an entry in ClinVar:

NM_033453.4(ITPA):c.412-418C>T

Gene: ITPA (inosine triphosphatase; plus strand). Cytogenetic location: 20p13.
Variant type: single nucleotide variant.
Coding change: c.412-418C>T on transcript NM_033453.4 (MANE Select); 418 bases into the intron before coding-DNA position 412, C replaced by T.
Molecular consequence: intron variant. On other transcripts: missense variant (1).
Genome position (GRCh38, 1-based): chr20:3,221,423, C>T. VCF-style: chr20-3221423-C-T. GRCh37 (hg19) VCF-style: chr20-3202069-C-T.
Other names: c.415C>T, p.Arg139Cys (NM_001424408.1); c.538-418C>T (NM_001424409.1); c.75-418C>T (NM_001324237.2, NM_001324238.2, NM_001324236.2 and 1 more transcripts); c.411+2791C>T (NM_001324240.2); c.289-418C>T (NM_001267623.2); c.361-418C>T (NM_181493.4); short protein forms R139C.
Identifiers: ClinVar variation 3256814 (VCV003256814.2).

ClinVar aggregate classification (germline): Benign (1 of 4 stars; one submission).

gnomAD v4.1: 31,965 of 152,068 alleles (21%); highest among the groups gnomAD compares: South Asian, 49%; 4,128 homozygotes.

Submission:

Unidad de Genómica Garrahan, Hospital de Pediatría Garrahan
Classification: Benign. Last evaluated: 2024-07-31. Review status: criteria provided, single submitter. Criteria: ACMG Guidelines, 2015. Collection method: clinical testing. Allele origin: germline. Affected: no. Observed: 34 variant alleles.
Comment: This variant is classified as Benign based on local population frequency. This variant was detected in 37% of patients studied in a panel designed for Epileptic and Developmental Encephalopathy, Progressive Myoclonus Epilepsy and Abnormal Movements and Neurodegeneration with brain iron accumulation. Number of patients: 34. Only high quality variants are reported.